The following is an entry in ClinVar:

NM_173660.5(DOK7):c.1215T>G (p.Tyr405Ter)

Gene: DOK7 (docking protein 7; plus strand). Cytogenetic location: 4p16.3.
Variant type: single nucleotide variant.
Coding change: c.1215T>G on transcript NM_173660.5 (MANE Select); coding-DNA position 1215, T replaced by G.
Protein change: p.Tyr405Ter; replaces tyrosine 405 with a stop codon.
Molecular consequence: nonsense. On other transcripts: 3 prime UTR variant (1).
Genome position (GRCh38, 1-based): chr4:3,493,201, T>G. VCF-style: chr4-3493201-T-G. GRCh37 (hg19) VCF-style: chr4-3494928-T-G.
Other names: c.1215T>G, p.Tyr405Ter (NM_001301071.2); c.783T>G, p.Tyr261Ter (NM_001363811.2); c.*436T>G (NM_001164673.2); c.285T>G, p.Tyr95Ter (NM_001256896.2); short protein forms Y261*, Y405*, Y95*.
Identifiers: ClinVar variation 647698 (VCV000647698.9), dbSNP rs544278158, ClinGen allele CA356117569.

ClinVar aggregate classification (germline): Likely pathogenic (1 of 4 stars; one submission).

Conditions:
Fetal akinesia deformation sequence 1 (FADS1). Also called: Pena-Shokeir syndrome type I; Fetal akinesia sequence. Identifiers: Orphanet 994, MedGen C1276035, MONDO:0100101, OMIM 208150, HP:0001989.
Congenital myasthenic syndrome 10. Also called: Myasthenia, limb-girdle, familial. Identifiers: Orphanet 590, MedGen C1850792, MONDO:0009690, OMIM 254300.

gnomAD v4.1: 4 of 1,611,716 alleles (0.00025%); highest among the groups gnomAD compares: Non-Finnish European, 0.00025%; no homozygotes.

Submission:

Labcorp Genetics (formerly Invitae), Labcorp
Classification: Likely pathogenic for Congenital myasthenic syndrome 10; Fetal akinesia deformation sequence 1. Last evaluated: 2020-03-06. Review status: criteria provided, single submitter. Criteria: Invitae Variant Classification Sherloc (09022015). Collection method: clinical testing. Allele origin: germline.
Comment: This sequence change results in a premature translational stop signal in the DOK7 gene (p.Tyr405*). While this is not anticipated to result in nonsense mediated decay, it is expected to disrupt the last 100 amino acids of the DOK7 protein. This variant is not present in population databases (ExAC no frequency). This variant has not been reported in the literature in individuals with DOK7-related conditions. Experimental studies and prediction algorithms are not available for this variant, and the functional significance of the affected amino acid(s) is currently unknown. Algorithms developed to predict the effect of sequence changes on RNA splicing suggest that this variant may create or strengthen a splice site, but this prediction has not been confirmed by published transcriptional studies. This variant disrupts the C-terminus of the DOK7 protein. Other variants that disrupt this region (p.Cys412*, p.Gln460*, p.Gly479Hisfs*13) have been observed in individuals with DOK7-related conditions (PMID: 20458068, 20012313, 28716243). This suggests that this may be a clinically significant region of the protein. In summary, the currently available evidence indicates that the variant is pathogenic, but additional data are needed to prove that conclusively. Therefore, this variant has been classified as Likely Pathogenic.

Literature cited by the submitters: PubMed 20458068; PubMed 20012313; PubMed 28716243.